The following is an entry in ClinVar:

NM_022773.4(LMF1):c.1511C>T (p.Ala504Val)

Gene: LMF1 (lipase maturation factor 1; minus strand). Cytogenetic location: 16p13.3.
Variant type: single nucleotide variant.
Coding change: c.1511C>T on transcript NM_022773.4 (MANE Select); coding-DNA position 1511, C replaced by T.
Protein change: p.Ala504Val; replaces alanine 504 with valine.
Molecular consequence: missense variant. On other transcripts: synonymous variant (1), non-coding transcript variant (1).
Genome position (GRCh38, 1-based): chr16:868,962, G>A on the plus strand (C>T on the coding strand, the complement: LMF1 is on the minus strand). VCF-style: chr16-868962-G-A. GRCh37 (hg19) VCF-style: chr16-918962-G-A.
Other names: c.860C>T, p.Ala287Val (NM_001352017.2, NM_001352021.2); c.1112C>T, p.Ala371Val (NM_001352018.2); c.1184C>T, p.Ala395Val (NM_001352019.2); c.1431C>T, p.Arg477= (NM_001352020.1); c.1511C>T (NM_022773.2); short protein forms A287V, A371V, A504V, A395V.
Identifiers: ClinVar variation 1416207 (VCV001416207.4), dbSNP rs369478194, ClinGen allele CA7796947.

ClinVar aggregate classification (germline): Conflicting classifications of pathogenicity. Review status: criteria provided, conflicting classifications (1 of 4 stars). 2 submissions from 2 submitters: Uncertain significance (1); Likely benign (1). Last evaluated 2024-05-29.

Conditions:
Cardiovascular phenotype. Identifiers: MedGen CN230736.

Allele frequency attached by ClinVar (database versions not stated): gnomAD exomes 0.00005 and 0.00017; ESP Exome Variant Server 0.00008; gnomAD 0.00011; TOPMed 0.00014; 1000 Genomes Project 30x 0.00016; ExAC 0.00017.
gnomAD v4.1: 84 of 1,611,094 alleles (0.0052%); highest among the groups gnomAD compares: African/African-American, 0.041%; no homozygotes.

Submissions (2):

Ambry Genetics
Classification: Likely benign for Cardiovascular phenotype. Last evaluated: 2024-05-29. Review status: criteria provided, single submitter. Criteria: Ambry Variant Classification Scheme 2023. Collection method: clinical testing. Allele origin: germline.

Labcorp Genetics (formerly Invitae), Labcorp
Classification: Uncertain significance. Last evaluated: 2021-12-18. Review status: criteria provided, single submitter. Criteria: Invitae Variant Classification Sherloc (09022015). Collection method: clinical testing. Allele origin: germline.
Comment: This sequence change replaces alanine, which is neutral and non-polar, with valine, which is neutral and non-polar, at codon 504 of the LMF1 protein (p.Ala504Val). This variant is present in population databases (rs369478194, gnomAD 0.07%). This variant has not been reported in the literature in individuals affected with LMF1-related conditions. Algorithms developed to predict the effect of missense changes on protein structure and function (SIFT, PolyPhen-2, Align-GVGD) all suggest that this variant is likely to be tolerated. In summary, the available evidence is currently insufficient to determine the role of this variant in disease. Therefore, it has been classified as a Variant of Uncertain Significance.